The following is an entry in ClinVar:

NM_000322.5(PRPH2):c.680T>C (p.Ile227Thr)

Gene: PRPH2 (peripherin 2; minus strand). Cytogenetic location: 6p21.1.
Variant type: single nucleotide variant.
Coding change: c.680T>C on transcript NM_000322.5 (MANE Select); coding-DNA position 680, T replaced by C.
Protein change: p.Ile227Thr; replaces isoleucine 227 with threonine.
Molecular consequence: missense variant.
Genome position (GRCh38, 1-based): chr6:42,704,513, A>G on the plus strand (T>C on the coding strand, the complement: PRPH2 is on the minus strand). VCF-style: chr6-42704513-A-G. GRCh37 (hg19) VCF-style: chr6-42672251-A-G.
Other names: short protein forms I227T.
Identifiers: ClinVar variation 2856221 (VCV002856221.3), dbSNP rs2548300775, ClinGen allele CA364135353.

ClinVar aggregate classification (germline): Uncertain significance (1 of 4 stars; one submission).

Conditions:
PRPH2-related disorder. Also called: PRPH2-related disorders; PRPH2-related condition. Identifiers: MedGen CN239395.

Submission:

Labcorp Genetics (formerly Invitae), Labcorp
Classification: Uncertain significance for PRPH2-related disorder. Last evaluated: 2023-04-14. Review status: criteria provided, single submitter. Criteria: Invitae Variant Classification Sherloc (09022015). Collection method: clinical testing. Allele origin: germline.
Comment: In summary, the available evidence is currently insufficient to determine the role of this variant in disease. Therefore, it has been classified as a Variant of Uncertain Significance. Advanced modeling of protein sequence and biophysical properties (such as structural, functional, and spatial information, amino acid conservation, physicochemical variation, residue mobility, and thermodynamic stability) has been performed at Invitae for this missense variant, however the output from this modeling did not meet the statistical confidence thresholds required to predict the impact of this variant on PRPH2 protein function. This variant has not been reported in the literature in individuals affected with PRPH2-related conditions. This variant is not present in population databases (gnomAD no frequency). This sequence change replaces isoleucine, which is neutral and non-polar, with threonine, which is neutral and polar, at codon 227 of the PRPH2 protein (p.Ile227Thr).